The following is an entry in ClinVar:

ClinVar aggregate classification (germline): Uncertain significance (1 of 4 stars; one submission).

Conditions:
Spastic paraplegia. Identifiers: MedGen C0037772, HP:0001258.

Allele frequency attached by ClinVar (database versions not stated): ExAC 0.00001; gnomAD exomes 0.00001; gnomAD 0.00004; TOPMed 0.00004; ESP Exome Variant Server 0.00008.
gnomAD v4.1: 49 of 1,608,588 alleles (0.003%); highest among the groups gnomAD compares: Non-Finnish European, 0.0041%; no homozygotes.

Submission:

Labcorp Genetics (formerly Invitae), Labcorp
Classification: Uncertain significance for Spastic paraplegia. Last evaluated: 2020-08-06. Review status: criteria provided, single submitter. Criteria: Invitae Variant Classification Sherloc (09022015). Collection method: clinical testing. Allele origin: germline.
Comment: This sequence change replaces glycine with arginine at codon 23 of the AP4E1 protein (p.Gly23Arg). The glycine residue is moderately conserved and there is a moderate physicochemical difference between glycine and arginine. This variant is present in population databases (rs373684336, ExAC 0.003%). This variant has not been reported in the literature in individuals with AP4E1-related conditions. Algorithms developed to predict the effect of missense changes on protein structure and function are either unavailable or do not agree on the potential impact of this missense change (SIFT: "Deleterious"; PolyPhen-2: "Possibly Damaging"; Align-GVGD: "Class C0"). In summary, the available evidence is currently insufficient to determine the role of this variant in disease. Therefore, it has been classified as a Variant of Uncertain Significance.

NM_007347.5(AP4E1):c.67G>C (p.Gly23Arg)

Gene: AP4E1 (adaptor related protein complex 4 subunit epsilon 1; plus strand). Cytogenetic location: 15q21.2.
Variant type: single nucleotide variant.
Coding change: c.67G>C on transcript NM_007347.5 (MANE Select); coding-DNA position 67, G replaced by C.
Protein change: p.Gly23Arg; replaces glycine 23 with arginine.
Molecular consequence: missense variant. On other transcripts: 5 prime UTR variant (1).
Genome position (GRCh38, 1-based): chr15:50,908,845, G>C. VCF-style: chr15-50908845-G-C. GRCh37 (hg19) VCF-style: chr15-51201042-G-C.
Other names: c.-182G>C (NM_001252127.2); short protein forms G23R.
Identifiers: ClinVar variation 1000682 (VCV001000682.8), dbSNP rs373684336, ClinGen allele CA7558636.